The following is an entry in ClinVar:

ClinVar aggregate classification (germline): Uncertain significance (1 of 4 stars; one submission).

Conditions:
Ataxia-telangiectasia syndrome (AT). Also called: ATAXIA-TELANGIECTASIA, COMPLEMENTATION GROUP A; ATAXIA-TELANGIECTASIA, FRESNO VARIANT; Ataxia-telangiectasia; Ataxia-telangiectasia, complementation group E; LOUIS-BAR SYNDROME; Cerebello-oculocutaneous telangiectasia. Identifiers: Orphanet 100, MedGen C0004135, MONDO:0008840, OMIM 208900.

Allele frequency attached by ClinVar (database versions not stated): gnomAD exomes below 0.00001.
gnomAD v4.1: 2 of 1,574,738 alleles (0.00013%); highest among the groups gnomAD compares: South Asian, 0.0022%; no homozygotes.

Submission:

Labcorp Genetics (formerly Invitae), Labcorp
Classification: Uncertain significance for Ataxia-telangiectasia syndrome. Last evaluated: 2024-08-27. Review status: criteria provided, single submitter. Criteria: Invitae Variant Classification Sherloc (09022015). Collection method: clinical testing. Allele origin: germline.
Comment: This sequence change falls in intron 59 of the ATM gene. It does not directly change the encoded amino acid sequence of the ATM protein. It affects a nucleotide within the consensus splice site. This variant is not present in population databases (gnomAD no frequency). This variant has not been reported in the literature in individuals affected with ATM-related conditions. Variants that disrupt the consensus splice site are a relatively common cause of aberrant splicing (PMID: 17576681, 9536098). Algorithms developed to predict the effect of sequence changes on RNA splicing suggest that this variant may disrupt the consensus splice site. In summary, the available evidence is currently insufficient to determine the role of this variant in disease. Therefore, it has been classified as a Variant of Uncertain Significance.

Literature cited by the submitters: PubMed 17576681; PubMed 9536098.

NM_000051.4(ATM):c.8671+5G>A

Genes: C11orf65 (chromosome 11 open reading frame 65; minus strand), ATM (ATM serine/threonine kinase; plus strand). Cytogenetic location: 11q22.3.
Variant type: single nucleotide variant.
Coding change: c.8671+5G>A on transcript NM_000051.4 (MANE Select); 5 bases into the intron after coding-DNA position 8671, G replaced by A.
Molecular consequence: intron variant.
Genome position (GRCh38, 1-based): chr11:108,347,370, G>A. VCF-style: chr11-108347370-G-A. GRCh37 (hg19) VCF-style: chr11-108218097-G-A.
Other names: c.8671+5G>A (NM_001351834.2); c.641-38299C>T (NM_001330368.2); c.695-12078C>T (NM_001351110.2).
Identifiers: ClinVar variation 2913605 (VCV002913605.3), dbSNP rs1565567590, ClinGen allele CA1998817886.
Genomic context (GRCh38, chr11:108,347,370, plus strand): 5'-TGTACAGAATATCTTGATAAATGAGCAGTCAGCAGAACTTGTACATATAGATCTAGGTAA[G>A]TAATAAAATCTATGTATCTATTCTTTTTAGTAAATATTTGGTCATCATGGAATGTTGTTT-3'